The following is an entry in ClinVar:

NM_002181.4(IHH):c.554A>G (p.His185Arg)

Gene: IHH (Indian hedgehog signaling molecule; minus strand). Cytogenetic location: 2q35.
Variant type: single nucleotide variant.
Coding change: c.554A>G on transcript NM_002181.4 (MANE Select); coding-DNA position 554, A replaced by G.
Protein change: p.His185Arg; replaces histidine 185 with arginine.
Molecular consequence: missense variant.
Genome position (GRCh38, 1-based): chr2:219,057,456, T>C on the plus strand (A>G on the coding strand, the complement: IHH is on the minus strand). VCF-style: chr2-219057456-T-C. GRCh37 (hg19) VCF-style: chr2-219922178-T-C.
Other names: short protein forms H185R.
Identifiers: ClinVar variation 999740 (VCV000999740.10), dbSNP rs1423023362, ClinGen allele CA350634042.

ClinVar aggregate classification (germline): Uncertain significance (1 of 4 stars; one submission).

Allele frequency attached by ClinVar (database versions not stated): gnomAD exomes 0.00001.
gnomAD v4.1: 7 of 1,591,122 alleles (0.00044%); highest among the groups gnomAD compares: Non-Finnish European, 0.0006%; no homozygotes.

Submission:

Labcorp Genetics (formerly Invitae), Labcorp
Classification: Uncertain significance. Last evaluated: 2022-07-26. Review status: criteria provided, single submitter. Criteria: Invitae Variant Classification Sherloc (09022015). Collection method: clinical testing. Allele origin: germline.
Comment: This sequence change replaces histidine, which is basic and polar, with arginine, which is basic and polar, at codon 185 of the IHH protein (p.His185Arg). This variant is present in population databases (no rsID available, gnomAD 0.002%). This variant has not been reported in the literature in individuals affected with IHH-related conditions. ClinVar contains an entry for this variant (Variation ID: 999740). Algorithms developed to predict the effect of missense changes on protein structure and function are either unavailable or do not agree on the potential impact of this missense change (SIFT: "Tolerated"; PolyPhen-2: "Possibly Damaging"; Align-GVGD: "Class C0"). In summary, the available evidence is currently insufficient to determine the role of this variant in disease. Therefore, it has been classified as a Variant of Uncertain Significance.